The following is an entry in ClinVar:

ClinVar aggregate classification (germline): Uncertain significance (1 of 4 stars; one submission).

Conditions:
Hajdu-Cheney syndrome (HJCYS). Also called: Acroosteolysis dominant type; SERPENTINE FIBULA-POLYCYSTIC KIDNEY SYNDROME; ACROOSTEOLYSIS WITH OSTEOPOROSIS AND CHANGES IN SKULL AND MANDIBLE. Identifiers: Orphanet 955, MedGen C0917715, MONDO:0007057, OMIM 102500.

gnomAD v4.1: 1 of 1,614,202 alleles (0.000062%); highest among the groups gnomAD compares: Non-Finnish European, 0.000085%; no homozygotes.

Submission:

Labcorp Genetics (formerly Invitae), Labcorp
Classification: Uncertain significance for Hajdu-Cheney syndrome. Last evaluated: 2025-05-21. Review status: criteria provided, single submitter. Criteria: Invitae Variant Classification Sherloc (09022015). Collection method: clinical testing. Allele origin: germline.
Comment: This sequence change replaces tyrosine, which is neutral and polar, with cysteine, which is neutral and slightly polar, at codon 1186 of the NOTCH2 protein (p.Tyr1186Cys). This variant is not present in population databases (gnomAD no frequency). This variant has not been reported in the literature in individuals affected with NOTCH2-related conditions. ClinVar contains an entry for this variant (Variation ID: 3691121). Invitae Evidence Modeling of protein sequence and biophysical properties (such as structural, functional, and spatial information, amino acid conservation, physicochemical variation, residue mobility, and thermodynamic stability) indicates that this missense variant is not expected to disrupt NOTCH2 protein function with a negative predictive value of 80%. In summary, the available evidence is currently insufficient to determine the role of this variant in disease. Therefore, it has been classified as a Variant of Uncertain Significance.

NM_024408.4(NOTCH2):c.3557A>G (p.Tyr1186Cys)

Gene: NOTCH2 (notch receptor 2; minus strand). Cytogenetic location: 1p12.
Variant type: single nucleotide variant.
Coding change: c.3557A>G on transcript NM_024408.4 (MANE Select); coding-DNA position 3557, A replaced by G.
Protein change: p.Tyr1186Cys; replaces tyrosine 1186 with cysteine.
Molecular consequence: missense variant.
Genome position (GRCh38, 1-based): chr1:119,935,570, T>C on the plus strand (A>G on the coding strand, the complement: NOTCH2 is on the minus strand). VCF-style: chr1-119935570-T-C. GRCh37 (hg19) VCF-style: chr1-120478193-T-C.
Other names: c.3557A>G, p.Tyr1186Cys (NM_001200001.2); short protein forms Y1186C.
Identifiers: ClinVar variation 3691121 (VCV003691121.2).